The following is an entry in ClinVar:

NM_001366385.1(CARD14):c.826dup (p.Ser276fs)

Gene: CARD14 (caspase recruitment domain family member 14; plus strand). Cytogenetic location: 17q25.3.
Variant type: Duplication.
Coding change: c.826dup on transcript NM_001366385.1 (MANE Select); coding-DNA position 826, one base duplicated (T; older notation c.826dupT).
Protein change: p.Ser276fs; shifts the reading frame from serine 276.
Molecular consequence: frameshift variant. On other transcripts: non-coding transcript variant (1).
Genome position (GRCh38, 1-based): chr17:80,188,527, T duplicated. VCF-style (leftmost placement, unchanged base first): chr17-80188526-C-CT. GRCh37 (hg19) VCF-style: chr17-78162325-C-CT.
Other names: c.826dup, p.Ser276fs (NM_001257970.1, NM_024110.4); c.115dup, p.Ser39fs (NM_052819.3); short protein forms S276fs, S39fs.
Identifiers: ClinVar variation 3763481 (VCV003763481.2).

ClinVar aggregate classification (germline): Uncertain significance (1 of 4 stars; one submission).

Conditions:
Pityriasis rubra pilaris (PRP). Also called: Pityriasis rubra pilaris--familial type. Identifiers: Orphanet 2897, MedGen C0032027, MONDO:0100017, OMIM 173200, MONDO:0008251.
Psoriasis 2. Identifiers: MedGen C1864497, MONDO:0011269, OMIM 602723.

Submission:

Labcorp Genetics (formerly Invitae), Labcorp
Classification: Uncertain significance for Pityriasis rubra pilaris; Psoriasis 2. Last evaluated: 2025-10-06. Review status: criteria provided, single submitter. Criteria: Invitae Variant Classification Sherloc (09022015). Collection method: clinical testing. Allele origin: germline.
Comment: This sequence change creates a premature translational stop signal (p.Ser276Phefs*62) in the CARD14 gene. It is expected to result in an absent or disrupted protein product. However, the current clinical and genetic evidence is not sufficient to establish whether loss-of-function variants in CARD14 cause disease. This variant is not present in population databases (gnomAD no frequency). This variant has not been reported in the literature in individuals affected with CARD14-related conditions. ClinVar contains an entry for this variant (Variation ID: 3763481). In summary, the available evidence is currently insufficient to determine the role of this variant in disease. Therefore, it has been classified as a Variant of Uncertain Significance.